The following is an entry in ClinVar:

ClinVar aggregate classification (germline): Uncertain significance (1 of 4 stars; one submission).

Conditions:
Fanconi anemia complementation group J. Also called: BRIP1-Related Fanconi Anemia. Identifiers: Orphanet 84, MedGen C1836860, MONDO:0012187, OMIM 609054.
Familial cancer of breast. Also called: BREAST CANCER, FAMILIAL; hereditary breast carcinoma; Hereditary breast cancer. Identifiers: Orphanet 227535, MedGen C0346153, MONDO:0016419, OMIM 114480. Disease mechanism: loss of function.

Allele frequency attached by ClinVar (database versions not stated): gnomAD exomes below 0.00001.
gnomAD v4.1: 1 of 1,613,612 alleles (0.000062%); highest among the groups gnomAD compares: Non-Finnish European, 0.000085%; no homozygotes.

Submission:

Labcorp Genetics (formerly Invitae), Labcorp
Classification: Uncertain significance for Familial cancer of breast; Fanconi anemia complementation group J. Last evaluated: 2022-07-30. Review status: criteria provided, single submitter. Criteria: Invitae Variant Classification Sherloc (09022015). Collection method: clinical testing. Allele origin: germline.
Comment: In summary, the available evidence is currently insufficient to determine the role of this variant in disease. Therefore, it has been classified as a Variant of Uncertain Significance. Algorithms developed to predict the effect of missense changes on protein structure and function are either unavailable or do not agree on the potential impact of this missense change (SIFT: "Deleterious"; PolyPhen-2: "Probably Damaging"; Align-GVGD: "Class C15"). This variant has not been reported in the literature in individuals affected with BRIP1-related conditions. This variant is not present in population databases (gnomAD no frequency). This sequence change replaces aspartic acid, which is acidic and polar, with valine, which is neutral and non-polar, at codon 280 of the BRIP1 protein (p.Asp280Val).

NM_032043.3(BRIP1):c.839A>T (p.Asp280Val)

Gene: BRIP1 (BRCA1 interacting DNA helicase 1; minus strand). Cytogenetic location: 17q23.2.
Variant type: single nucleotide variant.
Coding change: c.839A>T on transcript NM_032043.3 (MANE Select); coding-DNA position 839, A replaced by T.
Protein change: p.Asp280Val; replaces aspartic acid 280 with valine.
Molecular consequence: missense variant.
Genome position (GRCh38, 1-based): chr17:61,808,546, T>A on the plus strand (A>T on the coding strand, the complement: BRIP1 is on the minus strand). VCF-style: chr17-61808546-T-A. GRCh37 (hg19) VCF-style: chr17-59885907-T-A.
Other names: short protein forms D280V.
Identifiers: ClinVar variation 1981429 (VCV001981429.4), dbSNP rs1555609193, ClinGen allele CA400484806.